The following is an entry in ClinVar:

ClinVar aggregate classification (germline): Uncertain significance (1 of 4 stars; one submission).

Allele frequency attached by ClinVar (database versions not stated): gnomAD exomes below 0.00001; ExAC 0.00001; gnomAD 0.00001; TOPMed 0.00002.

Submission:

Labcorp Genetics (formerly Invitae), Labcorp
Classification: Uncertain significance. Last evaluated: 2023-10-13. Review status: criteria provided, single submitter. Criteria: Invitae Variant Classification Sherloc (09022015). Collection method: clinical testing. Allele origin: germline.
Comment: This sequence change replaces asparagine, which is neutral and polar, with serine, which is neutral and polar, at codon 339 of the NUP133 protein (p.Asn339Ser). This variant is present in population databases (rs772390850, gnomAD 0.003%). This variant has not been reported in the literature in individuals affected with NUP133-related conditions. An algorithm developed to predict the effect of missense changes on protein structure and function (PolyPhen-2) suggests that this variant is likely to be disruptive. In summary, the available evidence is currently insufficient to determine the role of this variant in disease. Therefore, it has been classified as a Variant of Uncertain Significance.

NM_018230.3(NUP133):c.1016A>G (p.Asn339Ser)

Gene: NUP133 (nucleoporin 133; minus strand). Cytogenetic location: 1q42.13.
Variant type: single nucleotide variant.
Coding change: c.1016A>G on transcript NM_018230.3 (MANE Select); coding-DNA position 1016, A replaced by G.
Protein change: p.Asn339Ser; replaces asparagine 339 with serine.
Molecular consequence: missense variant.
Genome position (GRCh38, 1-based): chr1:229,495,525, T>C on the plus strand (A>G on the coding strand, the complement: NUP133 is on the minus strand). VCF-style: chr1-229495525-T-C. GRCh37 (hg19) VCF-style: chr1-229631272-T-C.
Other names: short protein forms N339S.
Identifiers: ClinVar variation 2865128 (VCV002865128.3), dbSNP rs772390850, ClinGen allele CA1443665.